The following is an entry in ClinVar:

ClinVar aggregate classification (germline): Uncertain significance. Review status: criteria provided, single submitter (1 of 4 stars). 2 submissions from 2 submitters: Uncertain significance (1). 1 of the submissions does not count toward it. Last evaluated 2022-05-29.

Conditions:
Joubert syndrome and related disorders. Identifiers: Orphanet 140874, MedGen C5679612, MONDO:0015369.
Meckel-Gruber syndrome. Also called: DYSENCEPHALIA SPLANCHNOCYSTICA; GRUBER SYNDROME; Dysencephalia splachnocystica. Identifiers: Orphanet 564, MedGen C0265215, MONDO:0018921.
Joubert syndrome. Also called: CEREBELLOPARENCHYMAL DISORDER IV; JOUBERT-BOLTSHAUSER SYNDROME; Familial aplasia of the vermis. Identifiers: Orphanet 475, MedGen C5979921, MONDO:0018772.
Meckel syndrome, type 1 (MKS1). Also called: MECKEL-GRUBER SYNDROME, TYPE 1. Identifiers: Orphanet 564, MedGen C3714506, MONDO:0009571, OMIM 249000.

Allele frequency attached by ClinVar (database versions not stated): TOPMed below 0.00001; gnomAD 0.00001; gnomAD exomes 0.00002 and 0.00003; ExAC 0.00005.
gnomAD v4.1: 26 of 1,614,116 alleles (0.0016%); highest among the groups gnomAD compares: Non-Finnish European, 0.0021%; no homozygotes.

Submissions (2):

Labcorp Genetics (formerly Invitae), Labcorp
Classification: Uncertain significance for Joubert syndrome; Meckel-Gruber syndrome. Last evaluated: 2022-05-29. Review status: criteria provided, single submitter. Criteria: Invitae Variant Classification Sherloc (09022015). Collection method: clinical testing. Allele origin: germline.
Comment: This sequence change replaces valine, which is neutral and non-polar, with alanine, which is neutral and non-polar, at codon 299 of the MKS1 protein (p.Val299Ala). This variant is present in population databases (rs765793774, gnomAD 0.007%). This variant has not been reported in the literature in individuals affected with MKS1-related conditions. ClinVar contains an entry for this variant (Variation ID: 837994). Advanced modeling of protein sequence and biophysical properties (such as structural, functional, and spatial information, amino acid conservation, physicochemical variation, residue mobility, and thermodynamic stability) performed at Invitae indicates that this missense variant is expected to disrupt MKS1 protein function. In summary, the available evidence is currently insufficient to determine the role of this variant in disease. Therefore, it has been classified as a Variant of Uncertain Significance.

Natera, Inc.
Classification: Uncertain significance for Meckel syndrome type 1. Last evaluated: 2021-09-24. Review status: no assertion criteria provided. Collection method: clinical testing. Allele origin: germline. Not counted in ClinVar's aggregate classification.

NM_017777.4(MKS1):c.896T>C (p.Val299Ala)

Gene: MKS1 (MKS transition zone complex subunit 1; minus strand). Cytogenetic location: 17q22.
Variant type: single nucleotide variant.
Coding change: c.896T>C on transcript NM_017777.4 (MANE Select); coding-DNA position 896, T replaced by C.
Protein change: p.Val299Ala; replaces valine 299 with alanine.
Molecular consequence: missense variant.
Genome position (GRCh38, 1-based): chr17:58,212,397, A>G on the plus strand (T>C on the coding strand, the complement: MKS1 is on the minus strand). VCF-style: chr17-58212397-A-G. GRCh37 (hg19) VCF-style: chr17-56289758-A-G.
Other names: c.287T>C, p.Val96Ala (NM_001321268.2); c.896T>C, p.Val299Ala (NM_001321269.2, NM_001330397.2); short protein forms V299A, V96A.
Identifiers: ClinVar variation 837994 (VCV000837994.9), dbSNP rs765793774, ClinGen allele CA8669366.